The following is an entry in ClinVar:

ClinVar aggregate classification (germline): Uncertain significance (1 of 4 stars; one submission).

Conditions:
Familial adenomatous polyposis 1 (FAP1). Also called: POLYPOSIS, ADENOMATOUS INTESTINAL; FAMILIAL ADENOMATOUS POLYPOSIS 1, ATTENUATED. Identifiers: MedGen C2713442, MONDO:0021056, OMIM 175100. Disease mechanism: loss of function.

Allele frequency attached by ClinVar (database versions not stated): gnomAD 0.00001.
gnomAD v4.1: 1 of 1,613,916 alleles (0.000062%); highest among the groups gnomAD compares: East Asian, 0.0022%; no homozygotes.

Submission:

Baylor Genetics
Classification: Uncertain significance for Familial adenomatous polyposis 1. Last evaluated: 2019-02-21. Review status: criteria provided, single submitter. Criteria: ACMG Guidelines, 2015. Collection method: clinical testing. Allele origin: maternal. Affected: yes. Study: CSER-TexasKidsCanSeq.
Comment: This variant was determined to be of uncertain significance according to ACMG Guidelines, 2015 [PMID:25741868].

NM_000038.6(APC):c.1084G>A (p.Gly362Ser)

Gene: APC (APC regulator of Wnt signaling pathway; plus strand). Cytogenetic location: 5q22.2.
Variant type: single nucleotide variant.
Coding change: c.1084G>A on transcript NM_000038.6 (MANE Select); coding-DNA position 1084, G replaced by A.
Protein change: p.Gly362Ser; replaces glycine 362 with serine.
Molecular consequence: missense variant. On other transcripts: intron variant (4).
Genome position (GRCh38, 1-based): chr5:112,819,116, G>A. VCF-style: chr5-112819116-G-A. GRCh37 (hg19) VCF-style: chr5-112154813-G-A.
Other names: c.1084G>A, p.Gly362Ser (NM_001127510.3, NM_001354895.2, NM_001354896.2); c.1030G>A, p.Gly344Ser (NM_001127511.3); c.1114G>A, p.Gly372Ser (NM_001354897.2); c.1009G>A, p.Gly337Ser (NM_001354898.2); c.1000G>A, p.Gly334Ser (NM_001354899.2); c.907G>A, p.Gly303Ser (NM_001354900.2, NM_001354901.2); c.235G>A, p.Gly79Ser (NM_001354906.2); c.964-153G>A (NM_001354902.2); and 3 more; short protein forms G303S, G334S, G337S, G344S, G362S, G372S, G79S.
Identifiers: ClinVar variation 997492 (VCV000997492.2), dbSNP rs1249125697, ClinGen allele CA16023683.